The following is an entry in ClinVar:

NM_003482.4(KMT2D):c.12579G>A (p.Thr4193=)

Gene: KMT2D (lysine methyltransferase 2D; minus strand). Cytogenetic location: 12q13.12.
Variant type: single nucleotide variant.
Coding change: c.12579G>A on transcript NM_003482.4 (MANE Select); coding-DNA position 12579, G replaced by A.
Protein change: p.Thr4193=; no amino-acid change (threonine 4193 retained).
Molecular consequence: synonymous variant.
Genome position (GRCh38, 1-based): chr12:49,032,126, C>T on the plus strand (G>A on the coding strand, the complement: KMT2D is on the minus strand). VCF-style: chr12-49032126-C-T. GRCh37 (hg19) VCF-style: chr12-49425909-C-T.
Identifiers: ClinVar variation 94159 (VCV000094159.10), dbSNP rs398123713, ClinGen allele CA222007.

ClinVar aggregate classification (germline): Conflicting classifications of pathogenicity. Review status: criteria provided, conflicting classifications (1 of 4 stars). 3 submissions from 3 submitters: Uncertain significance (1); Benign (1); Likely benign (1). Last evaluated 2026-09-01.

Conditions:
Kabuki syndrome. Also called: NIIKAWA-KUROKI SYNDROME; Kabuki make-up syndrome. Identifiers: Orphanet 2322, MedGen C0796004, MONDO:0016512.

Allele frequency attached by ClinVar (database versions not stated): gnomAD 0.00001 and 0.00003; TOPMed 0.00003; ExAC 0.00004; gnomAD exomes 0.00006; 1000 Genomes Project 30x 0.00016; 1000 Genomes Project 0.00020.

Submissions (3):

CeGaT Center for Human Genetics Tuebingen
Classification: Likely benign. Last evaluated: 2026-09-01. Review status: criteria provided, single submitter. Criteria: CeGaT Center For Human Genetics Tuebingen Variant Classification Criteria Version 2. Collection method: clinical testing. Allele origin: germline. Affected: yes. Observed: 1 variant allele.
Comment: KMT2D: BP4, BP7

Labcorp Genetics (formerly Invitae), Labcorp
Classification: Benign for Kabuki syndrome. Last evaluated: 2025-05-24. Review status: criteria provided, single submitter. Criteria: Invitae Variant Classification Sherloc (09022015). Collection method: clinical testing. Allele origin: germline.

Eurofins Ntd Llc (ga)
Classification: Uncertain significance. Last evaluated: 2012-07-23. Review status: criteria provided, single submitter. Criteria: EGL Classification Definitions 2015. Collection method: clinical testing. Allele origin: germline. Observed: 1 variant allele, 1 heterozygote.